The following is an entry in ClinVar:

NM_172362.3(KCNH1):c.2136_2137inv (p.Val713Met)

Gene: KCNH1 (potassium voltage-gated channel subfamily H member 1; minus strand). Cytogenetic location: 1q32.2.
Variant type: Inversion.
Coding change: c.2136_2137inv on transcript NM_172362.3 (MANE Select).
Protein change: p.Val713Met; replaces valine 713 with methionine.
Molecular consequence: missense variant.
Genome position: GRCh38 VCF-style: chr1-210684114-CA-TG. GRCh37 (hg19) VCF-style: chr1-210857456-CA-TG.
Other names: c.2055_2056inv, p.Val686Met (NM_002238.4); short protein forms V686M, V713M.
Identifiers: ClinVar variation 1488567 (VCV001488567.8), ClinGen allele CA2573131639.

ClinVar aggregate classification (germline): Uncertain significance (1 of 4 stars; one submission).

Submission:

Labcorp Genetics (formerly Invitae), Labcorp
Classification: Uncertain significance. Last evaluated: 2025-11-02. Review status: criteria provided, single submitter. Criteria: Invitae Variant Classification Sherloc (09022015). Collection method: clinical testing. Allele origin: germline.
Comment: This sequence change replaces valine, which is neutral and non-polar, with methionine, which is neutral and non-polar, at codon 713 of the KCNH1 protein (p.Val713Met). Information on the frequency of this variant in the gnomAD database is not available, as this variant may be reported differently in the database. This variant has not been reported in the literature in individuals affected with KCNH1-related conditions. ClinVar contains an entry for this variant (Variation ID: 1488567). Experimental studies and prediction algorithms are not available or were not evaluated, and the functional significance of this variant is currently unknown. In summary, the available evidence is currently insufficient to determine the role of this variant in disease. Therefore, it has been classified as a Variant of Uncertain Significance.